The following is an entry in ClinVar:

ClinVar aggregate classification (germline): Pathogenic (1 of 4 stars; one submission).

Submission:

Labcorp Genetics (formerly Invitae), Labcorp
Classification: Pathogenic. Last evaluated: 2020-08-05. Review status: criteria provided, single submitter. Criteria: Invitae Variant Classification Sherloc (09022015). Collection method: clinical testing. Allele origin: germline.
Comment: This variant is not present in population databases (ExAC no frequency). This sequence change creates a premature translational stop signal (p.Glu201Lysfs*14) in the KIF11 gene. It is expected to result in an absent or disrupted protein product. For these reasons, this variant has been classified as Pathogenic. Loss-of-function variants in KIF11 are known to be pathogenic (PMID: 22284827, 24281367). This variant has not been reported in the literature in individuals with KIF11-related conditions.

Literature cited by the submitters: PubMed 22284827; PubMed 24281367.

NM_004523.4(KIF11):c.601del (p.Glu201fs)

Gene: KIF11 (kinesin family member 11; plus strand). Cytogenetic location: 10q23.33.
Variant type: Deletion.
Coding change: c.601del on transcript NM_004523.4 (MANE Select); coding-DNA position 601, one base deleted (G; older notation c.601delG).
Protein change: p.Glu201fs; shifts the reading frame from glutamic acid 201.
Molecular consequence: frameshift variant.
Genome position (GRCh38, 1-based): chr10:92,609,412, G deleted. VCF-style (leftmost placement, unchanged base first): chr10-92609411-AG-A. GRCh37 (hg19) VCF-style: chr10-94369168-AG-A.
Other names: short protein forms E201fs.
Identifiers: ClinVar variation 1071653 (VCV001071653.7), dbSNP rs2135902897, ClinGen allele CA2499220495.